The following is an entry in ClinVar:

NM_000053.4(ATP7B):c.129del (p.Tyr44fs)

Gene: ATP7B (ATPase copper transporting beta; minus strand). Cytogenetic location: 13q14.3.
Variant type: Deletion.
Coding change: c.129del on transcript NM_000053.4 (MANE Select); coding-DNA position 129, one base deleted (C; older notation c.129delC).
Protein change: p.Tyr44fs; shifts the reading frame from tyrosine 44.
Molecular consequence: frameshift variant.
Genome position (GRCh38, 1-based): chr13:51,975,091, G deleted on the plus strand (C on the coding strand, the reverse complement: ATP7B is on the minus strand). VCF-style (leftmost placement, unchanged base first): chr13-51975090-AG-A. GRCh37 (hg19) VCF-style: chr13-52549226-AG-A.
Other names: c.129del, p.Tyr44fs (NM_001406526.1, NM_001406527.1, NM_001406528.1 and 30 more transcripts); c.33del, p.Tyr12fs (NM_001406530.1, NM_001406536.1, NM_001406517.1 and 4 more transcripts); c.129delC (NM_000053.4); short protein forms Y12fs, Y44fs.
Identifiers: ClinVar variation 3769050 (VCV003769050.1).

ClinVar aggregate classification (germline): Pathogenic (1 of 4 stars; one submission).

Conditions:
Wilson disease (WND). Also called: Wilson's disease. Identifiers: Orphanet 905, MedGen C0019202, MONDO:0010200, OMIM 277900. Disease mechanism: loss of function.

Submission:

Women's Health and Genetics/Laboratory Corporation of America, LabCorp
Classification: Pathogenic for Wilson disease. Last evaluated: 2025-02-13. Review status: criteria provided, single submitter. Criteria: LabCorp Variant Classification Summary - May 2015. Collection method: clinical testing. Allele origin: germline.
Comment: Variant summary: ATP7B c.129delC (p.Tyr44MetfsX24) results in a premature termination codon, predicted to cause a truncation of the encoded protein or absence of the protein due to nonsense mediated decay, which are commonly known mechanisms for disease. The variant was absent in 249450 control chromosomes. To our knowledge, no occurrence of c.129delC in individuals affected with Wilson Disease and no experimental evidence demonstrating its impact on protein function have been reported. No submitters have cited clinical-significance assessments for this variant to ClinVar. Based on the evidence outlined above, the variant was classified as pathogenic.